The following is an entry in ClinVar:

ClinVar aggregate classification (germline): Uncertain significance (1 of 4 stars; one submission).

Submission:

Quest Diagnostics Nichols Institute San Juan Capistrano
Classification: Uncertain significance. Last evaluated: 2024-07-02. Review status: criteria provided, single submitter. Criteria: Quest Diagnostics criteria. Collection method: clinical testing. Allele origin: unknown.
Comment: The FANCM c.3286C>T (p.Pro1096Ser) variant has not been reported in individuals with FANCM-related conditions in the published literature. It also has not been reported in large, multi-ethnic general populations (Genome Aggregation Database). Analysis of this variant using bioinformatics tools for the prediction of the effect of amino acid changes on protein structure and function yielded predictions that this variant is benign. Based on the available information, we are unable to determine the clinical significance of this variant.

NM_020937.4(FANCM):c.3286C>T (p.Pro1096Ser)

Gene: FANCM (FA complementation group M; plus strand). Cytogenetic location: 14q21.2.
Variant type: single nucleotide variant.
Coding change: c.3286C>T on transcript NM_020937.4 (MANE Select); coding-DNA position 3286, C replaced by T.
Protein change: p.Pro1096Ser; replaces proline 1096 with serine.
Molecular consequence: missense variant.
Genome position (GRCh38, 1-based): chr14:45,176,040, C>T. VCF-style: chr14-45176040-C-T. GRCh37 (hg19) VCF-style: chr14-45645243-C-T.
Other names: c.3208C>T, p.Pro1070Ser (NM_001308133.2); short protein forms P1070S, P1096S.
Identifiers: ClinVar variation 3572286 (VCV003572286.1).